The following is an entry in ClinVar:

NM_001127649.3(PEX26):c.142C>T (p.His48Tyr)

Gene: PEX26 (peroxisomal biogenesis factor 26; plus strand). Cytogenetic location: 22q11.21.
Variant type: single nucleotide variant.
Coding change: c.142C>T on transcript NM_001127649.3 (MANE Select); coding-DNA position 142, C replaced by T.
Protein change: p.His48Tyr; replaces histidine 48 with tyrosine.
Molecular consequence: missense variant.
Genome position (GRCh38, 1-based): chr22:18,078,518, C>T. VCF-style: chr22-18078518-C-T. GRCh37 (hg19) VCF-style: chr22-18561284-C-T.
Other names: c.142C>T, p.His48Tyr (NM_001199319.2, NM_017929.6); short protein forms H48Y.
Identifiers: ClinVar variation 1381520 (VCV001381520.5), dbSNP rs747831264, ClinGen allele CA10093229.

ClinVar aggregate classification (germline): Uncertain significance (1 of 4 stars; one submission).

Conditions:
Peroxisome biogenesis disorder 7A (Zellweger). Also called: Peroxisome biogenesis disorder 7A. Identifiers: Orphanet 912, MedGen C3888385, MONDO:0013938, OMIM 614872.
Peroxisome biogenesis disorder 7B (PBD7B). Identifiers: Orphanet 44, MedGen C3553951, MONDO:0013939, OMIM 614873.

Allele frequency attached by ClinVar (database versions not stated): TOPMed below 0.00001; gnomAD 0.00001; gnomAD exomes 0.00002; ExAC 0.00006.
gnomAD v4.1: 12 of 1,573,552 alleles (0.00076%); highest among the groups gnomAD compares: South Asian, 0.014%; no homozygotes.

Submission:

Labcorp Genetics (formerly Invitae), Labcorp
Classification: Uncertain significance for Peroxisome biogenesis disorder 7A (Zellweger); Peroxisome biogenesis disorder 7B. Last evaluated: 2024-12-16. Review status: criteria provided, single submitter. Criteria: Invitae Variant Classification Sherloc (09022015). Collection method: clinical testing. Allele origin: germline.
Comment: This sequence change replaces histidine, which is basic and polar, with tyrosine, which is neutral and polar, at codon 48 of the PEX26 protein (p.His48Tyr). This variant is present in population databases (rs747831264, gnomAD 0.01%). This variant has not been reported in the literature in individuals affected with PEX26-related conditions. ClinVar contains an entry for this variant (Variation ID: 1381520). Invitae Evidence Modeling of protein sequence and biophysical properties (such as structural, functional, and spatial information, amino acid conservation, physicochemical variation, residue mobility, and thermodynamic stability) indicates that this missense variant is not expected to disrupt PEX26 protein function with a negative predictive value of 95%. In summary, the available evidence is currently insufficient to determine the role of this variant in disease. Therefore, it has been classified as a Variant of Uncertain Significance.